The following is an entry in ClinVar:

NM_000233.4(LHCGR):c.54G>A (p.Gln18=)

Genes: STON1-GTF2A1L (STON1-GTF2A1L readthrough; plus strand), LHCGR (luteinizing hormone/choriogonadotropin receptor; minus strand). Cytogenetic location: 2p16.3.
Variant type: single nucleotide variant.
Coding change: c.54G>A on transcript NM_000233.4 (MANE Select); coding-DNA position 54, G replaced by A.
Protein change: p.Gln18=; no amino-acid change (glutamine 18 retained).
Molecular consequence: synonymous variant. On other transcripts: intron variant (1).
Genome position (GRCh38, 1-based): chr2:48,755,618, C>T on the plus strand (G>A on the coding strand, the complement: LHCGR is on the minus strand). VCF-style: chr2-48755618-C-T. GRCh37 (hg19) VCF-style: chr2-48982757-C-T.
Other names: c.3442-20662C>T (NM_001198593.2).
Identifiers: ClinVar variation 336472 (VCV000336472.9), dbSNP rs780848944, ClinGen allele CA1653493.

ClinVar aggregate classification (germline): Conflicting classifications of pathogenicity. Review status: criteria provided, conflicting classifications (1 of 4 stars). 4 submissions from 3 submitters: Uncertain significance (2); Likely benign (1). 1 of the submissions does not count toward it. Last evaluated 2025-05-22.

Conditions:
Gonadotropin-independent familial sexual precocity. Also called: TESTOTOXICOSIS, FAMILIAL; Familial male-limited precocious puberty. Identifiers: Orphanet 3000, MedGen C0342549, MONDO:0008303, OMIM 176410.
Leydig cell agenesis. Also called: LEYDIG CELL HYPOPLASIA WITH MALE PSEUDOHERMAPHRODITISM; LEYDIG CELL HYPOPLASIA, COMPLETE; HYPERGONADOTROPIC HYPOGONADISM, MALE, DUE TO LHCGR DEFECT; Leydig cell hypoplasia, type 1. Identifiers: MedGen C0266432, MONDO:0009384, OMIM 238320.
LHCGR-related disorder. Also called: LHCGR-related condition.

Allele frequency attached by ClinVar (database versions not stated): ExAC below 0.00001; gnomAD exomes 0.00007 and 0.00009; gnomAD 0.00013 and 0.00014; TOPMed 0.00015.
gnomAD v4.1: 145 of 1,535,972 alleles (0.0094%); highest among the groups gnomAD compares: Non-Finnish European, 0.012%; no homozygotes.

Submissions (4):

Labcorp Genetics (formerly Invitae), Labcorp
Classification: Likely benign. Last evaluated: 2025-05-22. Review status: criteria provided, single submitter. Criteria: Invitae Variant Classification Sherloc (09022015). Collection method: clinical testing. Allele origin: germline.

Illumina Laboratory Services, Illumina
Classification: Uncertain significance for Leydig cell agenesis. Last evaluated: 2018-01-13. Review status: criteria provided, single submitter. Criteria: ICSL Variant Classification Criteria 13 December 2019. Collection method: clinical testing. Allele origin: germline.

Illumina Laboratory Services, Illumina
Classification: Uncertain significance for Gonadotropin-independent familial sexual precocity. Last evaluated: 2018-01-13. Review status: criteria provided, single submitter. Criteria: ICSL Variant Classification Criteria 13 December 2019. Collection method: clinical testing. Allele origin: germline.

PreventionGenetics, part of Exact Sciences
Classification: Likely benign for LHCGR-related condition. Last evaluated: 2019-04-16. Review status: no assertion criteria provided. Collection method: clinical testing. Allele origin: germline. Not counted in ClinVar's aggregate classification.
Comment: This variant is classified as likely benign based on ACMG/AMP sequence variant interpretation guidelines (Richards et al. 2015 PMID: 25741868, with internal and published modifications).